The following is an entry in ClinVar:

ClinVar aggregate classification (germline): Uncertain significance. Review status: criteria provided, multiple submitters, no conflicts (2 of 4 stars). 5 submissions from 5 submitters: Uncertain significance (4). 1 of the submissions does not count toward it. Last evaluated 2025-01-08.

Conditions:
LRRK2-related disorder. Also called: LRRK2-related condition.
Autosomal dominant Parkinson disease 8. Also called: LRRK2-Related Parkinson Disease; Parkinson disease 8; Parkinson disease 8, susceptibility to. Identifiers: Orphanet 411602, MedGen C1846862, MONDO:0011764, OMIM 607060.

Allele frequency attached by ClinVar (database versions not stated): ESP Exome Variant Server 0.00008; TOPMed 0.00009.
gnomAD v4.1: 73 of 1,612,872 alleles (0.0045%); highest among the groups gnomAD compares: Non-Finnish European, 0.0057%; 1 homozygote.

Submissions (5):

Labcorp Genetics (formerly Invitae), Labcorp
Classification: Uncertain significance for Autosomal dominant Parkinson disease 8. Last evaluated: 2025-01-08. Review status: criteria provided, single submitter. Criteria: Invitae Variant Classification Sherloc (09022015). Collection method: clinical testing. Allele origin: germline.
Comment: This sequence change replaces arginine, which is basic and polar, with leucine, which is neutral and non-polar, at codon 1728 of the LRRK2 protein (p.Arg1728Leu). This variant is present in population databases (rs145364431, gnomAD 0.006%). This missense change has been observed in individual(s) with Parkinsons disease (PMID: 18213618). ClinVar contains an entry for this variant (Variation ID: 39207). Invitae Evidence Modeling of protein sequence and biophysical properties (such as structural, functional, and spatial information, amino acid conservation, physicochemical variation, residue mobility, and thermodynamic stability) has been performed for this missense variant. However, the output from this modeling did not meet the statistical confidence thresholds required to predict the impact of this variant on LRRK2 protein function. Experimental studies are conflicting or provide insufficient evidence to determine the effect of this variant on LRRK2 function (PMID: 19625296, 20642453, 35950872). Algorithms developed to predict the effect of sequence changes on RNA splicing suggest that this variant may disrupt the consensus splice site. In summary, the available evidence is currently insufficient to determine the role of this variant in disease. Therefore, it has been classified as a Variant of Uncertain Significance.

PreventionGenetics, part of Exact Sciences
Classification: Uncertain significance for LRRK2-related condition. Last evaluated: 2024-11-22. Review status: criteria provided, single submitter. Criteria: ACMG Guidelines, 2015. Collection method: clinical testing. Allele origin: germline.
Comment: The LRRK2 c.5183G>T variant is predicted to result in the amino acid substitution p.Arg1728Leu. This variant has been reported in an individual with Parkinson disease, and functional studies show increased enzyme activity but normal cellular localization (Paisan-Ruiz et al. 2008. PubMed ID: 18213618; Nichols et al. 2010. PubMed ID: 20642453; Cardona et al. 2014. PubMed ID: 24488318). This variant is reported in 0.0062% of alleles in individuals of European (Non-Finnish) descent in gnomAD. At this time, the clinical significance of this variant is uncertain due to the absence of conclusive functional and genetic evidence.

Blueprint Genetics
Classification: Uncertain significance. Last evaluated: 2024-04-25. Review status: criteria provided, single submitter. Criteria: ACMG Guidelines, 2015. Collection method: clinical testing. Allele origin: germline.

Fulgent Genetics
Classification: Uncertain significance for Autosomal dominant Parkinson disease 8. Last evaluated: 2022-03-14. Review status: criteria provided, single submitter. Criteria: ACMG Guidelines, 2015. Collection method: clinical testing. Allele origin: unknown.

GeneReviews
No classification provided. Condition: Autosomal dominant Parkinson disease 8. Review status: no classification provided. Collection method: literature only. Allele origin: unknown. Not counted in ClinVar's aggregate classification.

Literature cited by the submitters: PubMed 18213618 (cited by Labcorp Genetics (formerly Invitae), Labcorp); PubMed 19625296 (cited by Labcorp Genetics (formerly Invitae), Labcorp); PubMed 20642453 (cited by Labcorp Genetics (formerly Invitae), Labcorp); PubMed 35950872 (cited by Labcorp Genetics (formerly Invitae), Labcorp); PubMed 20301387 (cited by GeneReviews); NCBI Bookshelf NBK1208 (cited by GeneReviews).

NM_198578.4(LRRK2):c.5183G>T (p.Arg1728Leu)

Gene: LRRK2 (leucine rich repeat kinase 2; plus strand). Cytogenetic location: 12q12.
Variant type: single nucleotide variant.
Coding change: c.5183G>T on transcript NM_198578.4 (MANE Select); coding-DNA position 5183, G replaced by T.
Protein change: p.Arg1728Leu; replaces arginine 1728 with leucine.
Molecular consequence: missense variant.
Genome position (GRCh38, 1-based): chr12:40,322,047, G>T. VCF-style: chr12-40322047-G-T. GRCh37 (hg19) VCF-style: chr12-40715849-G-T.
Other names: short protein forms R1728L.
Identifiers: ClinVar variation 39207 (VCV000039207.10), dbSNP rs145364431, ClinGen allele CA343624.